The following is an entry in ClinVar:

ClinVar aggregate classification (germline): Uncertain significance (1 of 4 stars; one submission).

Allele frequency attached by ClinVar (database versions not stated): gnomAD 0.00001; ExAC 0.00003; 1000 Genomes Project 0.00020; 1000 Genomes Project 30x 0.00031.
gnomAD v4.1: 1 of 1,591,706 alleles (0.000063%); highest among the groups gnomAD compares: Non-Finnish European, 0.000086%; no homozygotes.

Submission:

Labcorp Genetics (formerly Invitae), Labcorp
Classification: Uncertain significance. Last evaluated: 2024-04-13. Review status: criteria provided, single submitter. Criteria: Invitae Variant Classification Sherloc (09022015). Collection method: clinical testing. Allele origin: germline.
Comment: This sequence change replaces glutamine, which is neutral and polar, with arginine, which is basic and polar, at codon 411 of the COL9A2 protein (p.Gln411Arg). The frequency data for this variant in the population databases is considered unreliable, as metrics indicate poor data quality at this position in the gnomAD database. This variant has not been reported in the literature in individuals affected with COL9A2-related conditions. Advanced modeling of protein sequence and biophysical properties (such as structural, functional, and spatial information, amino acid conservation, physicochemical variation, residue mobility, and thermodynamic stability) performed at Invitae indicates that this missense variant is not expected to disrupt COL9A2 protein function with a negative predictive value of 95%. In summary, the available evidence is currently insufficient to determine the role of this variant in disease. Therefore, it has been classified as a Variant of Uncertain Significance.

NM_001852.4(COL9A2):c.1232A>G (p.Gln411Arg)

Gene: COL9A2 (collagen type IX alpha 2 chain; minus strand). Cytogenetic location: 1p34.2.
Variant type: single nucleotide variant.
Coding change: c.1232A>G on transcript NM_001852.4 (MANE Select); coding-DNA position 1232, A replaced by G.
Protein change: p.Gln411Arg; replaces glutamine 411 with arginine.
Molecular consequence: missense variant.
Genome position (GRCh38, 1-based): chr1:40,304,375, T>C on the plus strand (A>G on the coding strand, the complement: COL9A2 is on the minus strand). VCF-style: chr1-40304375-T-C. GRCh37 (hg19) VCF-style: chr1-40770047-T-C.
Other names: short protein forms Q411R.
Identifiers: ClinVar variation 2857657 (VCV002857657.3), dbSNP rs558295752, ClinGen allele CA791524.
Genomic context (GRCh38, chr1:40,304,375, plus strand): 5'-GGCACCTTGTCTCCTTTGACGCCTGGCAAGCCTTGGGGCCCTGGAATTCCGGGGGGGCCC[T>C]GCTCCCCCTTAGGGCCCTGAGGAGAAAAGAAACCAAAGGAATAAATGGAATGAGGGGCCT-3'
Protein context (NP_001843.1, residues 401-421): PQGRQGPKGE[Gln411Arg]GPPGIPGPQG